The following is an entry in ClinVar:

ClinVar aggregate classification (germline): Uncertain significance (1 of 4 stars; one submission).

Submission:

GeneDx
Classification: Uncertain significance. Last evaluated: 2016-12-02. Review status: criteria provided, single submitter. Criteria: GeneDx Variant Classification (06012015). Collection method: clinical testing. Allele origin: germline. Affected: yes.
Comment: A variant of uncertain significance has been identified in the AP4E1 gene. The c.-3 G>T sequence change in the 5' untranslated region of the AP4E1 gene has not been published as a pathogenic variant, nor has it been reported as a benign variant to our knowledge. The c.-3 G>T variant is not observed in large population cohorts (Lek et al., 2016; 1000 Genomes Consortium et al., 2015; Exome Variant Server). This variant alters a conserved position in the Kozak sequence, which plays a role in the initiation of protein translation, but is not expected to alter the ATG initiation codon. Several in silico models predict c.-3 G>T does not impact splicing. Other regulatory mutations have not been reported to our knowledge. However, in the absence of RNA/functional studies, the actual effect of this sequence change in this individual is unknown. Therefore, based on the currently available information, it is unclear whether this variant is a pathogenic mutation or a rare benign variant.

NM_007347.5(AP4E1):c.-3G>T

Gene: AP4E1 (adaptor related protein complex 4 subunit epsilon 1; plus strand). Cytogenetic location: 15q21.2.
Variant type: single nucleotide variant.
Coding change: c.-3G>T on transcript NM_007347.5 (MANE Select); 3 bases upstream of the start codon, G replaced by T.
Molecular consequence: 5 prime UTR variant.
Genome position (GRCh38, 1-based): chr15:50,908,776, G>T. VCF-style: chr15-50908776-G-T. GRCh37 (hg19) VCF-style: chr15-51200973-G-T.
Other names: c.-251G>T (NM_001252127.2).
Identifiers: ClinVar variation 373640 (VCV000373640.1), dbSNP rs1057518523, ClinGen allele CA16042884.